The following is an entry in ClinVar:

NM_004698.4(PRPF3):c.520T>C (p.Ser174Pro)

Gene: PRPF3 (pre-mRNA processing factor 3; plus strand). Cytogenetic location: 1q21.2.
Variant type: single nucleotide variant.
Coding change: c.520T>C on transcript NM_004698.4 (MANE Select); coding-DNA position 520, T replaced by C.
Protein change: p.Ser174Pro; replaces serine 174 with proline.
Molecular consequence: missense variant. On other transcripts: non-coding transcript variant (4).
Genome position (GRCh38, 1-based): chr1:150,332,991, T>C. VCF-style: chr1-150332991-T-C. GRCh37 (hg19) VCF-style: chr1-150305462-T-C.
Other names: c.115T>C, p.Ser39Pro (NM_001350529.1); short protein forms S39P, S174P.
Identifiers: ClinVar variation 953676 (VCV000953676.9), dbSNP rs1656586815, ClinGen allele CA342291448.

ClinVar aggregate classification (germline): Uncertain significance (1 of 4 stars; one submission).

Allele frequency attached by ClinVar (database versions not stated): gnomAD exomes below 0.00001.
gnomAD v4.1: 3 of 1,613,616 alleles (0.00019%); highest among the groups gnomAD compares: Non-Finnish European, 0.00025%; no homozygotes.

Submission:

Labcorp Genetics (formerly Invitae), Labcorp
Classification: Uncertain significance. Last evaluated: 2023-01-14. Review status: criteria provided, single submitter. Criteria: Invitae Variant Classification Sherloc (09022015). Collection method: clinical testing. Allele origin: germline.
Comment: In summary, the available evidence is currently insufficient to determine the role of this variant in disease. Therefore, it has been classified as a Variant of Uncertain Significance. Advanced modeling of protein sequence and biophysical properties (such as structural, functional, and spatial information, amino acid conservation, physicochemical variation, residue mobility, and thermodynamic stability) performed at Invitae indicates that this missense variant is not expected to disrupt PRPF3 protein function. ClinVar contains an entry for this variant (Variation ID: 953676). This variant has not been reported in the literature in individuals affected with PRPF3-related conditions. This variant is not present in population databases (gnomAD no frequency). This sequence change replaces serine, which is neutral and polar, with proline, which is neutral and non-polar, at codon 174 of the PRPF3 protein (p.Ser174Pro).